The following is an entry in ClinVar:

NM_002335.4(LRP5):c.2091+4G>A

Gene: LRP5 (LDL receptor related protein 5; plus strand). Cytogenetic location: 11q13.2.
Variant type: single nucleotide variant.
Coding change: c.2091+4G>A on transcript NM_002335.4 (MANE Select); 4 bases into the intron after coding-DNA position 2091, G replaced by A.
Molecular consequence: intron variant.
Genome position (GRCh38, 1-based): chr11:68,406,817, G>A. VCF-style: chr11-68406817-G-A. GRCh37 (hg19) VCF-style: chr11-68174285-G-A.
Other names: c.348+4G>A (NM_001291902.2).
Identifiers: ClinVar variation 1061525 (VCV001061525.7), dbSNP rs1460823577, ClinGen allele CA600238906.

ClinVar aggregate classification (germline): Uncertain significance (1 of 4 stars; one submission).

Allele frequency attached by ClinVar (database versions not stated): gnomAD exomes below 0.00001 and 0.00001.
gnomAD v4.1: 2 of 1,613,596 alleles (0.00012%); highest among the groups gnomAD compares: Admixed American, 0.0033%; no homozygotes.

Submission:

Labcorp Genetics (formerly Invitae), Labcorp
Classification: Uncertain significance. Last evaluated: 2022-03-19. Review status: criteria provided, single submitter. Criteria: Invitae Variant Classification Sherloc (09022015). Collection method: clinical testing. Allele origin: germline.
Comment: In summary, the available evidence is currently insufficient to determine the role of this variant in disease. Therefore, it has been classified as a Variant of Uncertain Significance. Variants that disrupt the consensus splice site are a relatively common cause of aberrant splicing (PMID: 17576681, 9536098). Algorithms developed to predict the effect of sequence changes on RNA splicing suggest that this variant is not likely to affect RNA splicing. ClinVar contains an entry for this variant (Variation ID: 1061525). This variant has not been reported in the literature in individuals affected with LRP5-related conditions. This variant is present in population databases (no rsID available, gnomAD 0.006%). This sequence change falls in intron 9 of the LRP5 gene. It does not directly change the encoded amino acid sequence of the LRP5 protein. It affects a nucleotide within the consensus splice site.

Literature cited by the submitters: PubMed 17576681; PubMed 9536098.